The following is an entry in ClinVar:

ClinVar aggregate classification (germline): Uncertain significance (1 of 4 stars; one submission).

Allele frequency attached by ClinVar (database versions not stated): gnomAD 0.00001 and 0.00003; gnomAD exomes 0.00002 and 0.00003; ExAC 0.00004; TOPMed 0.00004; ESP Exome Variant Server 0.00015; 1000 Genomes Project 30x 0.00016; 1000 Genomes Project 0.00020.

Submission:

Labcorp Genetics (formerly Invitae), Labcorp
Classification: Uncertain significance. Last evaluated: 2022-06-13. Review status: criteria provided, single submitter. Criteria: Invitae Variant Classification Sherloc (09022015). Collection method: clinical testing. Allele origin: germline.
Comment: This sequence change replaces arginine, which is basic and polar, with lysine, which is basic and polar, at codon 374 of the PYROXD1 protein (p.Arg374Lys). This variant is present in population databases (rs191673404, gnomAD 0.003%). This variant has not been reported in the literature in individuals affected with PYROXD1-related conditions. Algorithms developed to predict the effect of missense changes on protein structure and function are either unavailable or do not agree on the potential impact of this missense change (SIFT: "Tolerated"; PolyPhen-2: "Possibly Damaging"; Align-GVGD: "Class C0"). In summary, the available evidence is currently insufficient to determine the role of this variant in disease. Therefore, it has been classified as a Variant of Uncertain Significance.

NM_024854.5(PYROXD1):c.1121G>A (p.Arg374Lys)

Gene: PYROXD1 (pyridine nucleotide-disulphide oxidoreductase domain 1; plus strand). Cytogenetic location: 12p12.1.
Variant type: single nucleotide variant.
Coding change: c.1121G>A on transcript NM_024854.5 (MANE Select); coding-DNA position 1121, G replaced by A.
Protein change: p.Arg374Lys; replaces arginine 374 with lysine.
Molecular consequence: missense variant.
Genome position (GRCh38, 1-based): chr12:21,467,485, G>A. VCF-style: chr12-21467485-G-A. GRCh37 (hg19) VCF-style: chr12-21620419-G-A.
Other names: c.908G>A, p.Arg303Lys (NM_001350912.2); c.344G>A, p.Arg115Lys (NM_001350913.2); short protein forms R115K, R303K, R374K.
Identifiers: ClinVar variation 1516183 (VCV001516183.5), dbSNP rs191673404, ClinGen allele CA6478471.
Genomic context (GRCh38, chr12:21,467,485, plus strand): 5'-TTTTCAGATAATGATCATGAAAAATGACATTGTGTAACATTTTTTCATCATTTCAGATGA[G>A]GCTGTGGACCCAGGCTAGACAGATGGGATGGTATGCAGCAAAGTGCATGGCTGCAGCGAG-3'
Protein context (NP_079130.2, residues 364-384): WQLSPVWQQM[Arg374Lys]LWTQARQMGW